The following is an entry in ClinVar:

ClinVar aggregate classification (germline): Benign (1 of 4 stars; one submission).

Allele frequency attached by ClinVar (database versions not stated): gnomAD 0.00423; TOPMed 0.00444; 1000 Genomes Project 0.00479; 1000 Genomes Project 30x 0.00578.
gnomAD v4.1: 639 of 152,250 alleles (0.42%); highest among the groups gnomAD compares: African/African-American, 1.5%; 3 homozygotes.

Submission:

CeGaT Center for Human Genetics Tuebingen
Classification: Benign. Last evaluated: 2024-10-01. Review status: criteria provided, single submitter. Criteria: CeGaT Center For Human Genetics Tuebingen Variant Classification Criteria Version 2. Collection method: clinical testing. Allele origin: germline. Affected: yes. Observed: 2 variant alleles.
Comment: ADA2: BP4, BP7, BS1, BS2

NM_001282225.2(ADA2):c.753+4307C>T

Gene: ADA2 (adenosine deaminase 2; minus strand). Cytogenetic location: 22q11.1.
Variant type: single nucleotide variant.
Coding change: c.753+4307C>T on transcript NM_001282225.2 (MANE Select); 4307 bases into the intron after coding-DNA position 753, C replaced by T.
Molecular consequence: intron variant.
Genome position (GRCh38, 1-based): chr22:17,199,256, G>A on the plus strand (C>T on the coding strand, the complement: ADA2 is on the minus strand). VCF-style: chr22-17199256-G-A. GRCh37 (hg19) VCF-style: chr22-17680146-G-A.
Other names: c.30+293C>T (NM_177405.3); c.627+4307C>T (NM_001282227.2, NM_001282228.2); c.393+4307C>T (NM_001282229.2); c.753+4307C>T (NM_001282226.2).
Identifiers: ClinVar variation 3026559 (VCV003026559.22), dbSNP rs184252216, ClinGen allele CA321159652.
Genomic context (GRCh38, chr22:17,199,256, plus strand): 5'-ACGGGCAGAGTGAGGACAGAGGACTGGAGCTGGGCAGGCCCCCAAGTCTCTCCACCTCCG[G>A]CTCTGGAAGGAGAAAATGGCCACCTGCAGAACAAGGGGGAAGATGGAACAGGAAGCCAGT-3'